The following is an entry in ClinVar:

NM_001943.5(DSG2):c.557C>T (p.Ala186Val)

Gene: DSG2 (desmoglein 2; plus strand). Cytogenetic location: 18q12.1.
Variant type: single nucleotide variant.
Coding change: c.557C>T on transcript NM_001943.5 (MANE Select); coding-DNA position 557, C replaced by T.
Protein change: p.Ala186Val; replaces alanine 186 with valine.
Molecular consequence: missense variant.
Genome position (GRCh38, 1-based): chr18:31,522,116, C>T. VCF-style: chr18-31522116-C-T. GRCh37 (hg19) VCF-style: chr18-29102079-C-T.
Other names: short protein forms A186V.
Identifiers: ClinVar variation 3221945 (VCV003221945.3), dbSNP rs2510911574, ClinGen allele CA402133400.

ClinVar aggregate classification (germline): Uncertain significance. Review status: criteria provided, multiple submitters, no conflicts (2 of 4 stars). 3 submissions from 3 submitters: Uncertain significance (3). Last evaluated 2025-08-30.

Conditions:
Cardiomyopathy (CMYO). Also called: Cardiomyopathies. Identifiers: Orphanet 167848, MedGen C0878544, MONDO:0004994, HP:0001638. Inheritance: Various modes of inheritance.
Cardiovascular phenotype. Identifiers: MedGen CN230736.

Allele frequency attached by ClinVar (database versions not stated): gnomAD exomes below 0.00001.
gnomAD v4.1: 2 of 1,613,782 alleles (0.00012%); highest among the groups gnomAD compares: Non-Finnish European, 0.00017%; no homozygotes.

Submissions (3):

Color Diagnostics, LLC DBA Color Health
Classification: Uncertain significance for Cardiomyopathy. Last evaluated: 2025-08-30. Review status: criteria provided, single submitter. Criteria: ACMG Guidelines, 2015. Collection method: clinical testing. Allele origin: germline.
Comment: This missense variant replaces alanine with valine at codon 186 of the DSG2 protein. Computational prediction suggests that this variant may not impact protein structure and function. To our knowledge, functional studies have not been reported for this variant. This variant has not been reported in individuals affected with DSG2-related disorders in the literature. This variant has not been identified in the general population by the Genome Aggregation Database (gnomAD). The available evidence is insufficient to determine the role of this variant in disease conclusively. Therefore, this variant is classified as a Variant of Uncertain Significance.

GeneDx
Classification: Uncertain significance. Last evaluated: 2025-06-15. Review status: criteria provided, single submitter. Criteria: GeneDx Variant Classification Process June 2021. Collection method: clinical testing. Allele origin: germline. Affected: yes.
Comment: Not observed at significant frequency in large population cohorts (gnomAD); In silico analysis supports that this missense variant has a deleterious effect on protein structure/function; Has not been previously published as pathogenic or benign to our knowledge

Ambry Genetics
Classification: Uncertain significance for Cardiovascular phenotype. Last evaluated: 2024-01-27. Review status: criteria provided, single submitter. Criteria: Ambry Variant Classification Scheme 2023. Collection method: clinical testing. Allele origin: germline.
Comment: The p.A186V variant (also known as c.557C>T), located in coding exon 6 of the DSG2 gene, results from a C to T substitution at nucleotide position 557. The alanine at codon 186 is replaced by valine, an amino acid with similar properties. This amino acid position is conserved. In addition, the in silico prediction for this alteration is inconclusive. Based on the available evidence, the clinical significance of this alteration remains unclear.